The following is an entry in ClinVar:

NM_198428.3(BBS9):c.1699G>A (p.Ala567Thr)

Gene: BBS9 (Bardet-Biedl syndrome 9; plus strand). Cytogenetic location: 7p14.3.
Variant type: single nucleotide variant.
Coding change: c.1699G>A on transcript NM_198428.3 (MANE Select); coding-DNA position 1699, G replaced by A.
Protein change: p.Ala567Thr; replaces alanine 567 with threonine.
Molecular consequence: missense variant. On other transcripts: non-coding transcript variant (3).
Genome position (GRCh38, 1-based): chr7:33,367,772, G>A. VCF-style: chr7-33367772-G-A. GRCh37 (hg19) VCF-style: chr7-33407384-G-A.
Other names: c.1228G>A, p.Ala410Thr (NM_001348044.3); c.1333G>A, p.Ala445Thr (NM_001348045.3, NM_001348046.3, NM_001348037.3); c.1699G>A, p.Ala567Thr (NM_001362679.1, NM_001348036.1, NM_001348041.4 and 1 more transcripts); c.1579G>A, p.Ala527Thr (NM_014451.4, NM_001348040.3); c.1699G>A (NM_198428.2); c.1594G>A, p.Ala532Thr (NM_001033604.2); c.1684G>A, p.Ala562Thr (NM_001033605.2); c.1426G>A, p.Ala476Thr (NM_001348038.3); and 2 more; short protein forms A532T, A476T, A527T, A410T, A441T, A522T, A562T, A445T.
Identifiers: ClinVar variation 1389235 (VCV001389235.6), dbSNP rs200439561, ClinGen allele CA156729971.

ClinVar aggregate classification (germline): Uncertain significance. Review status: criteria provided, multiple submitters, no conflicts (2 of 4 stars). 2 submissions from 2 submitters: Uncertain significance (2). Last evaluated 2026-04-23.

Conditions:
BBS9-related disorder. Also called: BBS9-related condition.
Bardet-Biedl syndrome (BBS). Identifiers: Orphanet 110, MedGen C0752166, MONDO:0015229.

Allele frequency attached by ClinVar (database versions not stated): TOPMed below 0.00001; gnomAD 0.00001.
gnomAD v4.1: 2 of 1,613,598 alleles (0.00012%); highest among the groups gnomAD compares: Middle Eastern, 0.016%; no homozygotes.

Submissions (2):

PreventionGenetics, part of Exact Sciences
Classification: Uncertain significance for BBS9-related condition. Last evaluated: 2026-04-23. Review status: criteria provided, single submitter. Criteria: ACMG Guidelines, 2015. Collection method: clinical testing. Allele origin: germline.
Comment: The BBS9 c.1699G>A variant is predicted to result in the amino acid substitution p.Ala567Thr. To our knowledge, this variant has not been reported in the literature or in a large population database (gnomAD), indicating this variant is rare. At this time, the clinical significance of this variant is uncertain due to the absence of conclusive functional and genetic evidence.

Labcorp Genetics (formerly Invitae), Labcorp
Classification: Uncertain significance for Bardet-Biedl syndrome. Last evaluated: 2021-08-26. Review status: criteria provided, single submitter. Criteria: Invitae Variant Classification Sherloc (09022015). Collection method: clinical testing. Allele origin: germline.
Comment: This sequence change replaces alanine with threonine at codon 567 of the BBS9 protein (p.Ala567Thr). The alanine residue is highly conserved and there is a small physicochemical difference between alanine and threonine. This variant is not present in population databases (ExAC no frequency). This variant has not been reported in the literature in individuals affected with BBS9-related conditions. Algorithms developed to predict the effect of missense changes on protein structure and function output the following: SIFT: "Deleterious"; PolyPhen-2: "Benign"; Align-GVGD: "Class C0". The threonine amino acid residue is found in multiple mammalian species, which suggests that this missense change does not adversely affect protein function. In summary, the available evidence is currently insufficient to determine the role of this variant in disease. Therefore, it has been classified as a Variant of Uncertain Significance.